The following is an entry in ClinVar:

NM_000318.3(PEX2):c.123T>A (p.Phe41Leu)

Gene: PEX2 (peroxisomal biogenesis factor 2; minus strand). Cytogenetic location: 8q21.13.
Variant type: single nucleotide variant.
Coding change: c.123T>A on transcript NM_000318.3 (MANE Select); coding-DNA position 123, T replaced by A.
Protein change: p.Phe41Leu; replaces phenylalanine 41 with leucine.
Molecular consequence: missense variant.
Genome position (GRCh38, 1-based): chr8:76,984,056, A>T on the plus strand (T>A on the coding strand, the complement: PEX2 is on the minus strand). VCF-style: chr8-76984056-A-T. GRCh37 (hg19) VCF-style: chr8-77896292-A-T.
Other names: c.123T>A, p.Phe41Leu (NM_001079867.2, NM_001172086.2, NM_001172087.2); c.123T>A (NM_000318.2); short protein forms F41L.
Identifiers: ClinVar variation 1505989 (VCV001505989.4), dbSNP rs2132044807, ClinGen allele CA371558043.

ClinVar aggregate classification (germline): Uncertain significance. Review status: criteria provided, single submitter (1 of 4 stars). 2 submissions from 2 submitters: Uncertain significance (1). 1 of the submissions does not count toward it. Last evaluated 2021-12-02.

Conditions:
Zellweger spectrum disorders (ZS). Also called: Zellweger Spectrum Disorder; Zellweger Spectrum; Zellweger Spectrum Disorder (ZSD); Zellweger syndrome. Identifiers: Orphanet 912, MedGen C0043459, MONDO:0019609.
Peroxisome biogenesis disorder 5A (Zellweger) (PBD5A). Identifiers: Orphanet 912, MedGen C3553940, MONDO:0013932, OMIM 614866.

gnomAD v4.1: 1 of 1,612,920 alleles (0.000062%); no homozygotes.

Submissions (2):

Labcorp Genetics (formerly Invitae), Labcorp
Classification: Uncertain significance for Peroxisome biogenesis disorder 5A (Zellweger). Last evaluated: 2021-12-02. Review status: criteria provided, single submitter. Criteria: Invitae Variant Classification Sherloc (09022015). Collection method: clinical testing. Allele origin: germline.
Comment: This sequence change replaces phenylalanine, which is neutral and non-polar, with leucine, which is neutral and non-polar, at codon 41 of the PEX2 protein (p.Phe41Leu). This variant is not present in population databases (gnomAD no frequency). This variant has not been reported in the literature in individuals affected with PEX2-related conditions. Algorithms developed to predict the effect of missense changes on protein structure and function are either unavailable or do not agree on the potential impact of this missense change (SIFT: "Tolerated"; PolyPhen-2: "Probably Damaging"; Align-GVGD: "Class C0"). In summary, the available evidence is currently insufficient to determine the role of this variant in disease. Therefore, it has been classified as a Variant of Uncertain Significance.

Natera, Inc.
Classification: Uncertain significance for Zellweger syndrome. Last evaluated: 2025-03-10. Review status: no assertion criteria provided. Collection method: clinical testing. Allele origin: germline. Not counted in ClinVar's aggregate classification.